The following is an entry in ClinVar:

ClinVar aggregate classification (germline): Uncertain significance (1 of 4 stars; one submission).

Conditions:
Methylmalonic aciduria and homocystinuria type cblF. Also called: VITAMIN B12 LYSOSOMAL RELEASE DEFECT; VITAMIN B12 STORAGE DISEASE; COBALAMIN F DISEASE; COBALAMIN, DEFECT IN LYSOSOMAL RELEASE OF; METHYLMALONIC ACIDEMIA AND HOMOCYSTINURIA, cblF TYPE; METHYLMALONIC ACIDURIA DUE TO VITAMIN B12-RELEASE DEFECT. Identifiers: Orphanet 79284, MedGen C1848578, MONDO:0010183, OMIM 277380.

Allele frequency attached by ClinVar (database versions not stated): ExAC 0.00001; gnomAD 0.00001.
gnomAD v4.1: 4 of 1,613,988 alleles (0.00025%); highest among the groups gnomAD compares: Non-Finnish European, 0.00034%; no homozygotes.

Submission:

Labcorp Genetics (formerly Invitae), Labcorp
Classification: Uncertain significance for Methylmalonic aciduria and homocystinuria type cblF. Last evaluated: 2022-07-04. Review status: criteria provided, single submitter. Criteria: Invitae Variant Classification Sherloc (09022015). Collection method: clinical testing. Allele origin: germline.
Comment: This sequence change replaces glycine, which is neutral and non-polar, with serine, which is neutral and polar, at codon 14 of the LMBRD1 protein (p.Gly14Ser). This variant is present in population databases (rs779667411, gnomAD 0.0009%). This variant has not been reported in the literature in individuals affected with LMBRD1-related conditions. Algorithms developed to predict the effect of missense changes on protein structure and function are either unavailable or do not agree on the potential impact of this missense change (SIFT: "Deleterious"; PolyPhen-2: "Probably Damaging"; Align-GVGD: "Class C0"). In summary, the available evidence is currently insufficient to determine the role of this variant in disease. Therefore, it has been classified as a Variant of Uncertain Significance.

NM_018368.4(LMBRD1):c.40G>A (p.Gly14Ser)

Gene: LMBRD1 (LMBR1 domain containing 1; minus strand). Cytogenetic location: 6q13.
Variant type: single nucleotide variant.
Coding change: c.40G>A on transcript NM_018368.4 (MANE Select); coding-DNA position 40, G replaced by A.
Protein change: p.Gly14Ser; replaces glycine 14 with serine.
Molecular consequence: missense variant.
Genome position (GRCh38, 1-based): chr6:69,796,842, C>T on the plus strand (G>A on the coding strand, the complement: LMBRD1 is on the minus strand). VCF-style: chr6-69796842-C-T. GRCh37 (hg19) VCF-style: chr6-70506734-C-T.
Other names: short protein forms G14S.
Identifiers: ClinVar variation 2087034 (VCV002087034.1), dbSNP rs779667411, ClinGen allele CA3880041.